The following is an entry in ClinVar:

ClinVar aggregate classification (germline): Uncertain significance (1 of 4 stars; one submission).

Conditions:
Hereditary cancer-predisposing syndrome. Also called: Neoplastic Syndromes, Hereditary; Tumor predisposition; Hereditary neoplastic syndrome; Hereditary Cancer Syndrome. Identifiers: Orphanet 140162, MedGen C0027672, MeSH D009386, MONDO:0015356.

Submission:

Ambry Genetics
Classification: Uncertain significance for Hereditary cancer-predisposing syndrome. Last evaluated: 2026-07-20. Review status: criteria provided, single submitter. Criteria: Ambry Variant Classification Scheme 2023. Collection method: clinical testing. Allele origin: germline.
Comment: The p.R948S variant (also known as c.2844G>T), located in coding exon 25 of the TSC2 gene, results from a G to T substitution at nucleotide position 2844. The arginine at codon 948 is replaced by serine, an amino acid with dissimilar properties. This amino acid position is conserved. In addition, this alteration is predicted to be deleterious by in silico analysis. Based on the available evidence, the clinical significance of this variant remains unclear.

NM_000548.5(TSC2):c.2844G>T (p.Arg948Ser)

Gene: TSC2 (TSC complex subunit 2; plus strand). Cytogenetic location: 16p13.3.
Variant type: single nucleotide variant.
Coding change: c.2844G>T on transcript NM_000548.5 (MANE Select); coding-DNA position 2844, G replaced by T.
Protein change: p.Arg948Ser; replaces arginine 948 with serine.
Molecular consequence: missense variant. On other transcripts: intron variant (31).
Genome position (GRCh38, 1-based): chr16:2,077,604, G>T. VCF-style: chr16-2077604-G-T. GRCh37 (hg19) VCF-style: chr16-2127605-G-T.
Other names: c.1493+1019G>T (NM_001406696.1, NM_001406693.1, NM_001406690.1 and 5 more transcripts); c.2825+1019G>T (NM_001406671.1, NM_001406673.1); c.2375+1019G>T (NM_001406681.1); c.2726+1019G>T (NM_001318827.2, NM_001406678.1); c.2237+1019G>T (NM_001406685.1, NM_001318831.2, NM_001406688.1 and 2 more transcripts); c.2780+1019G>T (NM_001406677.1); c.2690+1019G>T (NM_001318829.2, NM_001406679.1); c.2870+1019G>T (NM_001318832.2); and 8 more; short protein forms R748S, R899S, R500S, R948S, R911S.
Identifiers: ClinVar variation 5031367 (VCV005031367.1).